The following is an entry in ClinVar:

NM_031229.4(RBCK1):c.338C>T (p.Thr113Ile)

Gene: RBCK1 (RANBP2-type and C3HC4-type zinc finger containing 1; plus strand). Cytogenetic location: 20p13.
Variant type: single nucleotide variant.
Coding change: c.338C>T on transcript NM_031229.4 (MANE Select); coding-DNA position 338, C replaced by T.
Protein change: p.Thr113Ile; replaces threonine 113 with isoleucine.
Molecular consequence: missense variant. On other transcripts: 5 prime UTR variant (2), non-coding transcript variant (1).
Genome position (GRCh38, 1-based): chr20:417,808, C>T. VCF-style: chr20-417808-C-T. GRCh37 (hg19) VCF-style: chr20-398452-C-T.
Other names: p.Thr113Ile; c.-12C>T (NM_001323956.2, NM_001323958.2); c.212C>T, p.Thr71Ile (NM_006462.6); c.338C>T (NM_031229.2); short protein forms T113I, T71I.
Identifiers: ClinVar variation 1472726 (VCV001472726.5), dbSNP rs372591105, ClinGen allele CA9723049.

ClinVar aggregate classification (germline): Uncertain significance. Review status: criteria provided, multiple submitters, no conflicts (2 of 4 stars). 3 submissions from 3 submitters: Uncertain significance (3). Last evaluated 2025-01-18.

Conditions:
Polyglucosan body myopathy type 1 (PGBM1). Also called: Polyglucosan body myopathy 1 with or without immunodeficiency; POLYGLUCOSAN BODY MYOPATHY WITHOUT IMMUNODEFICIENCY. Identifiers: Orphanet 329173, Orphanet 397937, MedGen C4014605, MONDO:0014389, OMIM 615895.
Inborn genetic diseases. Identifiers: MedGen C0950123, MeSH D030342.

Allele frequency attached by ClinVar (database versions not stated): ExAC 0.00002; gnomAD 0.00002 and 0.00003; gnomAD exomes 0.00002; TOPMed 0.00002; ESP Exome Variant Server 0.00015.
gnomAD v4.1: 82 of 1,613,964 alleles (0.0051%); highest among the groups gnomAD compares: Non-Finnish European, 0.0067%; no homozygotes.

Submissions (3):

Ambry Genetics
Classification: Uncertain significance for Inborn genetic diseases. Last evaluated: 2025-01-18. Review status: criteria provided, single submitter. Criteria: Ambry Variant Classification Scheme 2023. Collection method: clinical testing. Allele origin: germline.

Mayo Clinic Laboratories, Mayo Clinic
Classification: Uncertain significance. Last evaluated: 2023-08-24. Review status: criteria provided, single submitter. Criteria: ACMG Guidelines, 2015. Collection method: clinical testing. Allele origin: germline. Observed: 1 variant allele.
Comment: PM2_moderate

Labcorp Genetics (formerly Invitae), Labcorp
Classification: Uncertain significance for Polyglucosan body myopathy type 1. Last evaluated: 2022-07-14. Review status: criteria provided, single submitter. Criteria: Invitae Variant Classification Sherloc (09022015). Collection method: clinical testing. Allele origin: germline.
Comment: This sequence change replaces threonine, which is neutral and polar, with isoleucine, which is neutral and non-polar, at codon 113 of the RBCK1 protein (p.Thr113Ile). This variant is present in population databases (rs372591105, gnomAD 0.005%). This variant has not been reported in the literature in individuals affected with RBCK1-related conditions. ClinVar contains an entry for this variant (Variation ID: 1472726). Algorithms developed to predict the effect of missense changes on protein structure and function are either unavailable or do not agree on the potential impact of this missense change (SIFT: "Not Available"; PolyPhen-2: "Possibly Damaging"; Align-GVGD: "Not Available"). In summary, the available evidence is currently insufficient to determine the role of this variant in disease. Therefore, it has been classified as a Variant of Uncertain Significance.